The following is an entry in ClinVar:

NM_002335.4(LRP5):c.632G>A (p.Trp211Ter)

Gene: LRP5 (LDL receptor related protein 5; plus strand). Cytogenetic location: 11q13.2.
Variant type: single nucleotide variant.
Coding change: c.632G>A on transcript NM_002335.4 (MANE Select); coding-DNA position 632, G replaced by A.
Protein change: p.Trp211Ter; replaces tryptophan 211 with a stop codon.
Molecular consequence: nonsense. On other transcripts: 5 prime UTR variant (1).
Genome position (GRCh38, 1-based): chr11:68,357,793, G>A. VCF-style: chr11-68357793-G-A. GRCh37 (hg19) VCF-style: chr11-68125261-G-A.
Other names: c.-1134G>A (NM_001291902.2); short protein forms W211*.
Identifiers: ClinVar variation 1453158 (VCV001453158.7), dbSNP rs2153136142, ClinGen allele CA381611938.

ClinVar aggregate classification (germline): Pathogenic/Likely pathogenic. Review status: criteria provided, multiple submitters, no conflicts (2 of 4 stars). 2 submissions from 2 submitters: Pathogenic (1); Likely pathogenic (1). Last evaluated 2023-03-10.

Conditions:
LRP5-related disorder. Also called: LRP5-related condition.

Submissions (2):

Blueprint Genetics
Classification: Likely pathogenic for LRP5-related disorders. Last evaluated: 2023-03-10. Review status: criteria provided, single submitter. Criteria: ACMG Guidelines, 2015. Collection method: clinical testing. Allele origin: germline. Affected: yes. Observed: 1 variant allele.

Labcorp Genetics (formerly Invitae), Labcorp
Classification: Pathogenic. Last evaluated: 2022-03-31. Review status: criteria provided, single submitter. Criteria: Invitae Variant Classification Sherloc (09022015). Collection method: clinical testing. Allele origin: germline.
Comment: This variant is not present in population databases (gnomAD no frequency). This sequence change creates a premature translational stop signal (p.Trp211*) in the LRP5 gene. It is expected to result in an absent or disrupted protein product. Loss-of-function variants in LRP5 are known to be pathogenic (PMID: 11719191, 16252235, 25711638). This variant has not been reported in the literature in individuals affected with LRP5-related conditions. For these reasons, this variant has been classified as Pathogenic.

Literature cited by the submitters: PubMed 11719191 (cited by Labcorp Genetics (formerly Invitae), Labcorp); PubMed 16252235 (cited by Labcorp Genetics (formerly Invitae), Labcorp); PubMed 25711638 (cited by Labcorp Genetics (formerly Invitae), Labcorp).